The following is an entry in ClinVar:

NM_003076.5(SMARCD1):c.89C>T (p.Pro30Leu)

Genes: SMARCD1 (SWI/SNF related BAF chromatin remodeling complex subunit D1; plus strand), LOC130007872 (ATAC-STARR-seq lymphoblastoid silent region 4446; plus strand). Cytogenetic location: 12q13.12.
Variant type: single nucleotide variant.
Coding change: c.89C>T on transcript NM_003076.5 (MANE Select); coding-DNA position 89, C replaced by T.
Protein change: p.Pro30Leu; replaces proline 30 with leucine.
Molecular consequence: missense variant.
Genome position (GRCh38, 1-based): chr12:50,085,458, C>T. VCF-style: chr12-50085458-C-T. GRCh37 (hg19) VCF-style: chr12-50479241-C-T.
Other names: c.89C>T, p.Pro30Leu (NM_139071.3); short protein forms P30L.
Identifiers: ClinVar variation 2642974 (VCV002642974.24), dbSNP rs1484269487, ClinGen allele CA384786142.

ClinVar aggregate classification (germline): Uncertain significance (1 of 4 stars; one submission).

Allele frequency attached by ClinVar (database versions not stated): TOPMed below 0.00001; gnomAD 0.00001.
gnomAD v4.1: 28 of 1,239,084 alleles (0.0023%); highest among the groups gnomAD compares: Non-Finnish European, 0.0027%; no homozygotes.

Submission:

CeGaT Center for Human Genetics Tuebingen
Classification: Uncertain significance. Last evaluated: 2023-08-01. Review status: criteria provided, single submitter. Criteria: CeGaT Center For Human Genetics Tuebingen Variant Classification Criteria Version 2. Collection method: clinical testing. Allele origin: germline. Affected: yes. Observed: 1 variant allele.
Comment: SMARCD1: PP3, BS1:Supporting